The following is an entry in ClinVar:

NM_024675.4(PALB2):c.3434G>T (p.Gly1145Val)

Gene: PALB2 (partner and localizer of BRCA2; minus strand). Cytogenetic location: 16p12.2.
Variant type: single nucleotide variant.
Coding change: c.3434G>T on transcript NM_024675.4 (MANE Select); coding-DNA position 3434, G replaced by T.
Protein change: p.Gly1145Val; replaces glycine 1145 with valine.
Molecular consequence: missense variant.
Genome position (GRCh38, 1-based): chr16:23,603,586, C>A on the plus strand (G>T on the coding strand, the complement: PALB2 is on the minus strand). VCF-style: chr16-23603586-C-A. GRCh37 (hg19) VCF-style: chr16-23614907-C-A.
Other names: c.3374G>T, p.Gly1125Val (NM_001407296.1); c.3362G>T, p.Gly1121Val (NM_001407297.1); c.3272G>T, p.Gly1091Val (NM_001407298.1); c.3197G>T, p.Gly1066Val (NM_001407299.1); c.3155G>T, p.Gly1052Val (NM_001407300.1); c.*69G>T (NM_001407301.1, NM_001407302.1, NM_001407310.1 and 2 more transcripts); c.2549G>T, p.Gly850Val (NM_001407304.1, NM_001407305.1, NM_001407306.1); c.2387G>T, p.Gly796Val (NM_001407307.1); and 3 more; short protein forms G1052V, G1066V, G1091V, G1125V, G1145V, G323V, G850V, G1121V.
Identifiers: ClinVar variation 1731405 (VCV001731405.3), dbSNP rs1442377872, ClinGen allele CA395138160.

ClinVar aggregate classification (germline): Uncertain significance (1 of 4 stars; one submission).

Conditions:
Hereditary cancer-predisposing syndrome. Also called: Neoplastic Syndromes, Hereditary; Tumor predisposition; Hereditary Cancer Syndrome; Hereditary neoplastic syndrome. Identifiers: Orphanet 140162, MedGen C0027672, MeSH D009386, MONDO:0015356.

Submission:

Ambry Genetics
Classification: Uncertain significance for Hereditary cancer-predisposing syndrome. Last evaluated: 2024-11-22. Review status: criteria provided, single submitter. Criteria: Ambry Variant Classification Scheme 2023. Collection method: clinical testing. Allele origin: germline.
Comment: The p.G1145V variant (also known as c.3434G>T), located in coding exon 13 of the PALB2 gene, results from a G to T substitution at nucleotide position 3434. The glycine at codon 1145 is replaced by valine, an amino acid with dissimilar properties. This amino acid position is conserved. In addition, the in silico prediction for this alteration is inconclusive. Since supporting evidence is limited at this time, the clinical significance of this alteration remains unclear.